The following is an entry in ClinVar:

ClinVar aggregate classification (germline): Conflicting classifications of pathogenicity. Review status: criteria provided, conflicting classifications (1 of 4 stars). 3 submissions from 3 submitters: Uncertain significance (2); Likely benign (1). Last evaluated 2025-09-21.

Conditions:
Inborn genetic diseases. Identifiers: MedGen C0950123, MeSH D030342.

Allele frequency attached by ClinVar (database versions not stated): gnomAD exomes 0.00001.
gnomAD v4.1: 4 of 1,614,130 alleles (0.00025%); highest among the groups gnomAD compares: Non-Finnish European, 0.00034%; no homozygotes.

Submissions (3):

Ambry Genetics
Classification: Likely benign for Inborn genetic diseases. Last evaluated: 2025-09-21. Review status: criteria provided, single submitter. Criteria: Ambry Variant Classification Scheme 2023. Collection method: clinical testing. Allele origin: germline.

Labcorp Genetics (formerly Invitae), Labcorp
Classification: Uncertain significance. Last evaluated: 2024-01-08. Review status: criteria provided, single submitter. Criteria: Invitae Variant Classification Sherloc (09022015). Collection method: clinical testing. Allele origin: germline.
Comment: This sequence change replaces threonine, which is neutral and polar, with isoleucine, which is neutral and non-polar, at codon 1455 of the KAT6A protein (p.Thr1455Ile). This variant is present in population databases (no rsID available, gnomAD 0.002%). This variant has not been reported in the literature in individuals affected with KAT6A-related conditions. Advanced modeling of protein sequence and biophysical properties (such as structural, functional, and spatial information, amino acid conservation, physicochemical variation, residue mobility, and thermodynamic stability) has been performed at Invitae for this missense variant, however the output from this modeling did not meet the statistical confidence thresholds required to predict the impact of this variant on KAT6A protein function. In summary, the available evidence is currently insufficient to determine the role of this variant in disease. Therefore, it has been classified as a Variant of Uncertain Significance.

Blueprint Genetics
Classification: Uncertain significance. Last evaluated: 2021-09-22. Review status: criteria provided, single submitter. Criteria: ACMG Guidelines, 2015. Collection method: clinical testing. Allele origin: germline.

NM_006766.5(KAT6A):c.4364C>T (p.Thr1455Ile)

Gene: KAT6A (lysine acetyltransferase 6A; minus strand). Cytogenetic location: 8p11.21.
Variant type: single nucleotide variant.
Coding change: c.4364C>T on transcript NM_006766.5 (MANE Select); coding-DNA position 4364, C replaced by T.
Protein change: p.Thr1455Ile; replaces threonine 1455 with isoleucine.
Molecular consequence: missense variant.
Genome position (GRCh38, 1-based): chr8:41,933,856, G>A on the plus strand (C>T on the coding strand, the complement: KAT6A is on the minus strand). VCF-style: chr8-41933856-G-A. GRCh37 (hg19) VCF-style: chr8-41791374-G-A.
Other names: c.4364C>T (NM_006766.3); short protein forms T1455I.
Identifiers: ClinVar variation 2803876 (VCV002803876.5), dbSNP rs1166512057, ClinGen allele CA371065978.